The following is an entry in ClinVar:

NM_022482.5(GZF1):c.1341G>C (p.Pro447=)

Gene: GZF1 (GDNF inducible zinc finger protein 1; plus strand). Cytogenetic location: 20p11.21.
Variant type: single nucleotide variant.
Coding change: c.1341G>C on transcript NM_022482.5 (MANE Select); coding-DNA position 1341, G replaced by C.
Protein change: p.Pro447=; no amino-acid change (proline 447 retained).
Molecular consequence: synonymous variant.
Genome position (GRCh38, 1-based): chr20:23,365,724, G>C. VCF-style: chr20-23365724-G-C. GRCh37 (hg19) VCF-style: chr20-23346361-G-C.
Other names: c.1341G>C, p.Pro447= (NM_001317012.2, NM_001317019.1); c.1341G>C (NM_022482.4).
Identifiers: ClinVar variation 2722900 (VCV002722900.5), dbSNP rs532203811, ClinGen allele CA9788677.

ClinVar aggregate classification (germline): Likely benign. Review status: criteria provided, single submitter (1 of 4 stars). 2 submissions from 2 submitters: Likely benign (1). 1 of the submissions does not count toward it. Last evaluated 2025-03-19.

Conditions:
GZF1-related disorder. Also called: GZF1-related condition.

Allele frequency attached by ClinVar (database versions not stated): gnomAD 0.00012; TOPMed 0.00019; ExAC 0.00005; 1000 Genomes Project 30x 0.00031; 1000 Genomes Project 0.00020.
gnomAD v4.1: 37 of 1,548,554 alleles (0.0024%); highest among the groups gnomAD compares: African/African-American, 0.049%; no homozygotes.

Submissions (2):

Labcorp Genetics (formerly Invitae), Labcorp
Classification: Likely benign. Last evaluated: 2025-03-19. Review status: criteria provided, single submitter. Criteria: Invitae Variant Classification Sherloc (09022015). Collection method: clinical testing. Allele origin: germline.

PreventionGenetics, part of Exact Sciences
Classification: Likely benign for GZF1-related condition. Last evaluated: 2019-11-14. Review status: no assertion criteria provided. Collection method: clinical testing. Allele origin: germline. Not counted in ClinVar's aggregate classification.
Comment: This variant is classified as likely benign based on ACMG/AMP sequence variant interpretation guidelines (Richards et al. 2015 PMID: 25741868, with internal and published modifications).